The following is an entry in ClinVar:

NM_000478.6(ALPL):c.1070G>T (p.Arg357Leu)

Gene: ALPL (alkaline phosphatase, biomineralization associated; plus strand). Cytogenetic location: 1p36.12.
Variant type: single nucleotide variant.
Coding change: c.1070G>T on transcript NM_000478.6 (MANE Select); coding-DNA position 1070, G replaced by T.
Protein change: p.Arg357Leu; replaces arginine 357 with leucine.
Molecular consequence: missense variant.
Genome position (GRCh38, 1-based): chr1:21,575,805, G>T. VCF-style: chr1-21575805-G-T. GRCh37 (hg19) VCF-style: chr1-21902298-G-T.
Other names: c.905G>T, p.Arg302Leu (NM_001127501.4); c.839G>T, p.Arg280Leu (NM_001177520.3); c.1070G>T, p.Arg357Leu (NM_001369803.2, NM_001369804.2, NM_001369805.2); short protein forms R280L, R302L, R357L.
Identifiers: ClinVar variation 4086865 (VCV004086865.1).

ClinVar aggregate classification (germline): Uncertain significance (1 of 4 stars; one submission).

Conditions:
Hypophosphatasia. Also called: Phosphoethanol-aminuria. Identifiers: Orphanet 436, MedGen C0020630, MeSH D007014, MONDO:0018570.

Submission:

Genomenon, Inc
Classification: Uncertain significance for Hypophosphatasia. Last evaluated: 2025-08-29. Review status: criteria provided, single submitter. Criteria: Genomenon Sequence Variant Interpretation Standards. Collection method: curation. Allele origin: germline. Affected: no.
Comment: ALPL c.1070G>T is a missense variant that changes the amino acid at residue 357 from Arginine to Leucine. This variant has been reported in the published literature (PMID:21956185). It is absent or not present at a significant frequency in gnomAD. In conclusion, we classify ALPL p.Arg357Leu (c.1070G>T) as a variant of unknown significance.

Literature cited by the submitters: PubMed 21956185.